The following is an entry in ClinVar:

ClinVar aggregate classification (germline): Uncertain significance (1 of 4 stars; one submission).

Conditions:
Familial meningioma. Also called: Meningioma, familial, susceptibility to. Identifiers: Orphanet 263662, MedGen C3551915, MONDO:0011789, OMIM 607174.

Submission:

Labcorp Genetics (formerly Invitae), Labcorp
Classification: Uncertain significance for Familial meningioma. Last evaluated: 2022-03-05. Review status: criteria provided, single submitter. Criteria: Invitae Variant Classification Sherloc (09022015). Collection method: clinical testing. Allele origin: germline.
Comment: This variant, c.1066_1067insGTTCTTCACAACAGA, results in the insertion of 5 amino acid(s) of the SMARCE1 protein (p.Gln355_Asn356insSerSerSerGlnGln), but otherwise preserves the integrity of the reading frame. This variant is not present in population databases (gnomAD no frequency). This variant has not been reported in the literature in individuals affected with SMARCE1-related conditions. Algorithms developed to predict the effect of sequence changes on RNA splicing suggest that this variant may create or strengthen a splice site. In summary, the available evidence is currently insufficient to determine the role of this variant in disease. Therefore, it has been classified as a Variant of Uncertain Significance.

NM_003079.5(SMARCE1):c.1066_1067insGTTCTTCACAACAGA (p.Gln355_Asn356insSerSerSerGlnGln)

Gene: SMARCE1 (SWI/SNF related BAF chromatin remodeling complex subunit E1; minus strand). Cytogenetic location: 17q21.2.
Variant type: Insertion.
Coding change: c.1066_1067insGTTCTTCACAACAGA on transcript NM_003079.5 (MANE Select); coding-DNA positions 1066 to 1067, GTTCTTCACAACAGA inserted.
Protein change: p.Gln355_Asn356insSerSerSerGlnGln.
Molecular consequence: inframe insertion.
Genome position: GRCh38 VCF-style: chr17-40628954-T-TTCTGTTGTGAAGAAC. GRCh37 (hg19) VCF-style: chr17-38785206-T-TTCTGTTGTGAAGAAC.
Identifiers: ClinVar variation 1466409 (VCV001466409.8), dbSNP rs2143980822, ClinGen allele CA2573153793.